The following is an entry in ClinVar:

NM_007259.5(VPS45):c.1129C>A (p.Pro377Thr)

Gene: VPS45 (vacuolar protein sorting 45 homolog; plus strand). Cytogenetic location: 1q21.2.
Variant type: single nucleotide variant.
Coding change: c.1129C>A on transcript NM_007259.5 (MANE Select); coding-DNA position 1129, C replaced by A.
Protein change: p.Pro377Thr; replaces proline 377 with threonine.
Molecular consequence: missense variant. On other transcripts: non-coding transcript variant (1).
Genome position (GRCh38, 1-based): chr1:150,091,961, C>A. VCF-style: chr1-150091961-C-A. GRCh37 (hg19) VCF-style: chr1-150064055-C-A.
Other names: c.1129C>A (NM_007259.3); c.814C>A, p.Pro272Thr (NM_001279353.2); c.1021C>A, p.Pro341Thr (NM_001279354.2); short protein forms P272T, P341T, P377T.
Identifiers: ClinVar variation 2080467 (VCV002080467.5), dbSNP rs781919956, ClinGen allele CA1073320.
Genomic context (GRCh38, chr1:150,091,961, plus strand): 5'-GAAAGGGGGATAAATATAAGTTCTATCTTTCTTCAGAATATAAAAAGGCTTCTGCAGAAC[C>A]CCAAAGTGACAGAGTTTGATGCTGCCCGCCTGGTGATGCTTTATGCTTTACATTATGAGC-3'
Protein context (NP_009190.2, residues 367-387): LQNIKRLLQN[Pro377Thr]KVTEFDAARL

ClinVar aggregate classification (germline): Uncertain significance. Review status: criteria provided, multiple submitters, no conflicts (2 of 4 stars). 3 submissions from 3 submitters: Uncertain significance (3). Last evaluated 2025-02-20.

Conditions:
Congenital neutropenia-myelofibrosis-nephromegaly syndrome. Also called: Severe congenital neutropenia 5, autosomal recessive. Identifiers: Orphanet 369852, MedGen C3809031, MONDO:0014118, OMIM 615285.
Inborn genetic diseases. Identifiers: MedGen C0950123, MeSH D030342.

Allele frequency attached by ClinVar (database versions not stated): gnomAD exomes 0.00001; ExAC 0.00002.
gnomAD v4.1: 12 of 1,613,720 alleles (0.00074%); highest among the groups gnomAD compares: Admixed American, 0.017%; no homozygotes.

Submissions (3):

Ambry Genetics
Classification: Uncertain significance for Inborn genetic diseases. Last evaluated: 2025-02-20. Review status: criteria provided, single submitter. Criteria: Ambry Variant Classification Scheme 2023. Collection method: clinical testing. Allele origin: germline.

Labcorp Genetics (formerly Invitae), Labcorp
Classification: Uncertain significance for Congenital neutropenia-myelofibrosis-nephromegaly syndrome. Last evaluated: 2022-05-30. Review status: criteria provided, single submitter. Criteria: Invitae Variant Classification Sherloc (09022015). Collection method: clinical testing. Allele origin: germline.
Comment: This sequence change replaces proline, which is neutral and non-polar, with threonine, which is neutral and polar, at codon 377 of the VPS45 protein (p.Pro377Thr). This variant is present in population databases (rs781919956, gnomAD 0.02%). This variant has not been reported in the literature in individuals affected with VPS45-related conditions. Algorithms developed to predict the effect of missense changes on protein structure and function (SIFT, PolyPhen-2, Align-GVGD) all suggest that this variant is likely to be tolerated. In summary, the available evidence is currently insufficient to determine the role of this variant in disease. Therefore, it has been classified as a Variant of Uncertain Significance.

Revvity Omics, Revvity
Classification: Uncertain significance for Congenital neutropenia-myelofibrosis-nephromegaly syndrome. Last evaluated: 2021-12-20. Review status: criteria provided, single submitter. Criteria: ACMG Guidelines, 2015. Collection method: clinical testing. Allele origin: germline.